The following is an entry in ClinVar:

ClinVar aggregate classification (germline): Uncertain significance (1 of 4 stars; one submission).

gnomAD v4.1: 13 of 1,551,076 alleles (0.00084%); highest among the groups gnomAD compares: South Asian, 0.012%; 1 homozygote.

Submission:

Mayo Clinic Laboratories, Mayo Clinic
Classification: Uncertain significance. Last evaluated: 2024-02-14. Review status: criteria provided, single submitter. Criteria: ACMG Guidelines, 2015. Collection method: clinical testing. Allele origin: germline. Observed: 1 variant allele.
Comment: PM1_supporting

Literature cited by the submitters: PubMed 30089223.

NM_001060.6(TBXA2R):c.710G>A (p.Arg237Gln)

Gene: TBXA2R (thromboxane A2 receptor; minus strand). Cytogenetic location: 19p13.3.
Variant type: single nucleotide variant.
Coding change: c.710G>A on transcript NM_001060.6 (MANE Select); coding-DNA position 710, G replaced by A.
Protein change: p.Arg237Gln; replaces arginine 237 with glutamine.
Molecular consequence: missense variant.
Genome position (GRCh38, 1-based): chr19:3,599,925, C>T on the plus strand (G>A on the coding strand, the complement: TBXA2R is on the minus strand). VCF-style: chr19-3599925-C-T. GRCh37 (hg19) VCF-style: chr19-3599923-C-T.
Other names: p.Arg237Gln; c.710G>A, p.Arg237Gln (NM_201636.3); short protein forms R237Q.
Identifiers: ClinVar variation 3380560 (VCV003380560.1).